The following is an entry in ClinVar:

NM_001330260.2(SCN8A):c.1925C>T (p.Thr642Met)

Gene: SCN8A (sodium voltage-gated channel alpha subunit 8; plus strand). Cytogenetic location: 12q13.13.
Variant type: single nucleotide variant.
Coding change: c.1925C>T on transcript NM_001330260.2 (MANE Select); coding-DNA position 1925, C replaced by T.
Protein change: p.Thr642Met; replaces threonine 642 with methionine.
Molecular consequence: missense variant.
Genome position (GRCh38, 1-based): chr12:51,721,835, C>T. VCF-style: chr12-51721835-C-T. GRCh37 (hg19) VCF-style: chr12-52115619-C-T.
Other names: c.1925C>T, p.Thr642Met (NM_001177984.3, NM_001369788.1, NM_014191.4); c.1925C>T (NM_014191.3); short protein forms T642M.
Identifiers: ClinVar variation 2416951 (VCV002416951.7), dbSNP rs1009369220, ClinGen allele CA236266995.

ClinVar aggregate classification (germline): Uncertain significance. Review status: criteria provided, multiple submitters, no conflicts (2 of 4 stars). 2 submissions from 2 submitters: Uncertain significance (2). Last evaluated 2024-08-17.

Conditions:
Early-infantile DEE. Also called: Early infantile epileptic encephalopathy; Early infantile epileptic encephalopathy with suppression bursts; Ohtahara syndrome. Identifiers: Orphanet 1934, MedGen C0393706, MONDO:0800491.

Allele frequency attached by ClinVar (database versions not stated): gnomAD exomes 0.00001; TOPMed 0.00001.
gnomAD v4.1: 9 of 1,605,412 alleles (0.00056%); highest among the groups gnomAD compares: East Asian, 0.0022%; no homozygotes.

Submissions (2):

Labcorp Genetics (formerly Invitae), Labcorp
Classification: Uncertain significance for Early-infantile DEE. Last evaluated: 2024-08-17. Review status: criteria provided, single submitter. Criteria: Invitae Variant Classification Sherloc (09022015). Collection method: clinical testing. Allele origin: germline.
Comment: This sequence change replaces threonine, which is neutral and polar, with methionine, which is neutral and non-polar, at codon 642 of the SCN8A protein (p.Thr642Met). This variant is not present in population databases (gnomAD no frequency). This variant has not been reported in the literature in individuals affected with SCN8A-related conditions. ClinVar contains an entry for this variant (Variation ID: 2416951). Invitae Evidence Modeling of protein sequence and biophysical properties (such as structural, functional, and spatial information, amino acid conservation, physicochemical variation, residue mobility, and thermodynamic stability) has been performed for this missense variant. However, the output from this modeling did not meet the statistical confidence thresholds required to predict the impact of this variant on SCN8A protein function. In summary, the available evidence is currently insufficient to determine the role of this variant in disease. Therefore, it has been classified as a Variant of Uncertain Significance.

GeneDx
Classification: Uncertain significance. Last evaluated: 2024-03-09. Review status: criteria provided, single submitter. Criteria: GeneDx Variant Classification Process June 2021. Collection method: clinical testing. Allele origin: germline. Affected: yes.
Comment: Reported in the heterozygous state in a patient with epilepsy and low average IQ who also harbored a pathogenic variant in the SCN1A gene (PMID: 32032478); In silico analysis supports that this missense variant has a deleterious effect on protein structure/function; This substitution is predicted to be in the cytoplasmic loop between the first and second homologous domains; Missense variants in this gene are often considered pathogenic (HGMD); This variant is associated with the following publications: (PMID: 32032478)